The following is an entry in ClinVar:

NM_003060.4(SLC22A5):c.1062_1063del (p.Val356fs)

Gene: SLC22A5 (solute carrier family 22 member 5; plus strand). Cytogenetic location: 5q31.1.
Variant type: Microsatellite.
Coding change: c.1062_1063del on transcript NM_003060.4 (MANE Select); coding-DNA positions 1062 to 1063, 2 bases deleted (AT; older notation c.1062_1063delAT).
Protein change: p.Val356fs; shifts the reading frame from valine 356.
Molecular consequence: frameshift variant.
Genome position (GRCh38, 1-based): chr5:132,390,699-132,390,700, AT deleted; deleting any 2 consecutive bases within chr5:132,390,697-132,390,700 gives the same sequence; the c. name uses the placement nearest the transcript's 3' end. VCF-style (leftmost placement, unchanged base first): chr5-132390696-CAT-C. GRCh37 (hg19) VCF-style: chr5-131726388-CAT-C.
Other names: c.1134_1135del, p.Val380fs (NM_001308122.2); short protein forms V356fs, V380fs.
Identifiers: ClinVar variation 5014427 (VCV005014427.1).

ClinVar aggregate classification (germline): Pathogenic (1 of 4 stars; one submission).

Conditions:
Renal carnitine transport defect (CDSP). Also called: Carnitine Deficiency, Systemic; CARNITINE DEFICIENCY, SYSTEMIC, DUE TO DEFECT IN RENAL REABSORPTION OF CARNITINE; CARNITINE TRANSPORTER, PLASMA-MEMBRANE, DEFICIENCY OF; CARNITINE UPTAKE DEFECT; Primary carnitine deficiency; Systemic primary carnitine deficiency. Identifiers: Orphanet 158, MedGen C0342788, MONDO:0008919, OMIM 212140.

Submission:

Myriad Genetics, Inc.
Classification: Pathogenic for Renal carnitine transport defect. Last evaluated: 2025-05-12. Review status: criteria provided, single submitter. Criteria: Myriad Autosomal Dominant, Autosomal Recessive and X-Linked Classification Criteria (2023). Collection method: clinical testing. Allele origin: unknown.
Comment: NM_003060.3(SLC22A5):c.1062_1063delAT(V356Gfs*8) is expected to be pathogenic in the context of primary carnitine deficiency. This variant is predicted to lead to an abnormal or absent protein product due to the creation of a premature termination codon in SLC22A5, a gene where loss-of-function variants are known to be pathogenic. Please note: this variant was assessed in the context of healthy population screening.